The following is an entry in ClinVar:

ClinVar aggregate classification (germline): Benign/Likely benign. Review status: criteria provided, multiple submitters, no conflicts (2 of 4 stars). 5 submissions from 5 submitters: Benign (2); Likely benign (2). 1 of the submissions does not count toward it. Last evaluated 2026-04-23.

Conditions:
CLIC5-related disorder. Also called: CLIC5-related condition.

Allele frequency attached by ClinVar (database versions not stated): gnomAD exomes 0.00017 and 0.00056; gnomAD 0.00025 and 0.00031; TOPMed 0.00044; ExAC 0.00045; 1000 Genomes Project 30x 0.00078; 1000 Genomes Project 0.00100.
gnomAD v4.1: 310 of 1,610,070 alleles (0.019%); highest among the groups gnomAD compares: East Asian, 0.4%; 1 homozygote.

Submissions (5):

Women's Health and Genetics/Laboratory Corporation of America, LabCorp
Classification: Likely benign. Last evaluated: 2026-04-23. Review status: criteria provided, single submitter. Criteria: LabCorp Variant Classification Summary - May 2015. Collection method: clinical testing. Allele origin: germline.
Comment: Variant summary: CLIC5 c.491C>G (p.Thr164Ser) results in a conservative amino acid change in the encoded protein sequence. Algorithms developed to predict the effect of missense changes on protein structure and function all suggest that this variant is likely to be tolerated. The variant allele was found at a frequency of 0.00056 in 250238 control chromosomes, predominantly at a frequency of 0.0067 within the East Asian subpopulation in the gnomAD database. The observed variant frequency within East Asian control individuals in the gnomAD database exceeds the estimated maximal expected allele frequency for disease-causing variants in CLIC5, providing supporting evidence for a benign role. To our knowledge, no occurrence of c.491C>G in individuals affected with CLIC5-related conditions and no experimental evidence demonstrating its impact on protein function have been reported. ClinVar contains an entry for this variant (Variation ID: 666674). Based on the evidence outlined above, the variant was classified as likely benign.

Labcorp Genetics (formerly Invitae), Labcorp
Classification: Benign. Last evaluated: 2025-03-04. Review status: criteria provided, single submitter. Criteria: Invitae Variant Classification Sherloc (09022015). Collection method: clinical testing. Allele origin: germline.

GeneDx
Classification: Benign. Last evaluated: 2019-08-07. Review status: criteria provided, single submitter. Criteria: GeneDx Variant Classification Process June 2021. Collection method: clinical testing. Allele origin: germline. Affected: yes.

Laboratory for Molecular Medicine, Mass General Brigham Personalized Medicine
Classification: Likely benign. Last evaluated: 2017-08-23. Review status: criteria provided, single submitter. Criteria: LMM Criteria. Collection method: clinical testing. Allele origin: germline. Observed: 1 variant allele.
Comment: p.Thr323Ser in exon 5 of CLIC5: This variant is not expected to have clinical si gnificance because it has been identified in 0.54% (47/8640) of East Asian chrom osomes by the Exome Aggregation Consortium (ExAC ; dbSNP rs201781198).

PreventionGenetics, part of Exact Sciences
Classification: Likely benign for CLIC5-related condition. Last evaluated: 2024-06-03. Review status: no assertion criteria provided. Collection method: clinical testing. Allele origin: germline. Not counted in ClinVar's aggregate classification.
Comment: This variant is classified as likely benign based on ACMG/AMP sequence variant interpretation guidelines (Richards et al. 2015 PMID: 25741868, with internal and published modifications).

NM_016929.5(CLIC5):c.491C>G (p.Thr164Ser)

Gene: CLIC5 (CLIC family member 5; minus strand). Cytogenetic location: 6p21.1.
Variant type: single nucleotide variant.
Coding change: c.491C>G on transcript NM_016929.5 (MANE Select); coding-DNA position 491, C replaced by G.
Protein change: p.Thr164Ser; replaces threonine 164 with serine.
Molecular consequence: missense variant. On other transcripts: non-coding transcript variant (3).
Genome position (GRCh38, 1-based): chr6:45,914,325, G>C on the plus strand (C>G on the coding strand, the complement: CLIC5 is on the minus strand). VCF-style: chr6-45914325-G-C. GRCh37 (hg19) VCF-style: chr6-45882062-G-C.
Other names: c.968C>G, p.Thr323Ser (NM_001114086.2, NM_001370650.1); c.491C>G, p.Thr164Ser (NM_001256023.2); c.374C>G, p.Thr125Ser (NM_001370649.1); short protein forms T125S, T323S, T164S.
Identifiers: ClinVar variation 666674 (VCV000666674.13), dbSNP rs201781198, ClinGen allele CA3836758.
Genomic context (GRCh38, chr6:45,914,325, plus strand): 5'-GCCAGGGTCAGCTCATCCCCATCCAGGAACTTGCGCCGGGACCCCTTGTCTTCCCCACAA[G>C]TGTTGGCGTCAATCTCCTCTGGTAGAGGGGTGTTCAGGTAGTCATCCAATTTCTTTAGAG-3'
Protein context (NP_058625.2, residues 154-174): TPLPEEIDAN[Thr164Ser]CGEDKGSRRK